The following is an entry in ClinVar:

ClinVar aggregate classification (germline): Conflicting classifications of pathogenicity. Review status: criteria provided, conflicting classifications (1 of 4 stars). 2 submissions from 2 submitters: Uncertain significance (1); Likely benign (1). Last evaluated 2025-10-23.

gnomAD v4.1: 7 of 1,613,970 alleles (0.00043%); highest among the groups gnomAD compares: African/African-American, 0.0013%; no homozygotes.

Submissions (2):

Labcorp Genetics (formerly Invitae), Labcorp
Classification: Uncertain significance. Last evaluated: 2025-10-23. Review status: criteria provided, single submitter. Criteria: Invitae Variant Classification Sherloc (09022015). Collection method: clinical testing. Allele origin: germline.
Comment: This sequence change replaces arginine, which is basic and polar, with glutamine, which is neutral and polar, at codon 448 of the SIAE protein (p.Arg448Gln). This variant is present in population databases (no rsID available, gnomAD 0.0009%). This variant has not been reported in the literature in individuals affected with SIAE-related conditions. ClinVar contains an entry for this variant (Variation ID: 3441723). An algorithm developed to predict the effect of missense changes on protein structure and function outputs the following: PolyPhen-2: "Benign". The glutamine amino acid residue is found in multiple mammalian species, which suggests that this missense change does not adversely affect protein function. Algorithms developed to predict the effect of sequence changes on RNA splicing suggest that this variant may disrupt the consensus splice site. In summary, the available evidence is currently insufficient to determine the role of this variant in disease. Therefore, it has been classified as a Variant of Uncertain Significance.

Ambry Genetics
Classification: Likely benign. Last evaluated: 2024-08-05. Review status: criteria provided, single submitter. Criteria: Ambry Variant Classification Scheme 2023. Collection method: clinical testing. Allele origin: germline.

NM_170601.5(SIAE):c.1343G>A (p.Arg448Gln)

Gene: SIAE (sialic acid acetylesterase; minus strand). Cytogenetic location: 11q24.2.
Variant type: single nucleotide variant.
Coding change: c.1343G>A on transcript NM_170601.5 (MANE Select); coding-DNA position 1343, G replaced by A.
Protein change: p.Arg448Gln; replaces arginine 448 with glutamine.
Molecular consequence: missense variant.
Genome position (GRCh38, 1-based): chr11:124,637,180, C>T on the plus strand (G>A on the coding strand, the complement: SIAE is on the minus strand). VCF-style: chr11-124637180-C-T. GRCh37 (hg19) VCF-style: chr11-124507076-C-T.
Other names: c.1238G>A, p.Arg413Gln (NM_001199922.2); short protein forms R448Q, R413Q.
Identifiers: ClinVar variation 3441723 (VCV003441723.2).